The following is an entry in ClinVar:

ClinVar aggregate classification (germline): Likely benign. Review status: criteria provided, single submitter (1 of 4 stars). 2 submissions from 2 submitters: Likely benign (1). 1 of the submissions does not count toward it. Last evaluated 2017-01-10.

Conditions:
Glucose-6-phosphate transport defect (GSD1B). Also called: Glycogen Storage Disease Type Ib; GSD Ib. Identifiers: Orphanet 364, Orphanet 79259, MedGen C0268146, MONDO:0009288, OMIM 232220.

Submissions (2):

GeneDx
Classification: Likely benign. Last evaluated: 2017-01-10. Review status: criteria provided, single submitter. Criteria: GeneDx Variant Classification (06012015). Collection method: clinical testing. Allele origin: germline. Affected: yes.
Comment: This variant is considered likely benign or benign based on one or more of the following criteria: it is a conservative change, it occurs at a poorly conserved position in the protein, it is predicted to be benign by multiple in silico algorithms, and/or has population frequency not consistent with disease.

Counsyl
Classification: Uncertain significance for Glucose-6-phosphate transport defect. Last evaluated: 2018-01-15. Review status: no assertion criteria provided. Collection method: clinical testing. Allele origin: unknown. Not counted in ClinVar's aggregate classification.

NM_001164277.2(SLC37A4):c.*11G>A

Gene: SLC37A4 (solute carrier family 37 member 4; minus strand). Cytogenetic location: 11q23.3.
Variant type: single nucleotide variant.
Coding change: c.*11G>A on transcript NM_001164277.2 (MANE Select); 11 bases downstream of the stop codon, G replaced by A.
Molecular consequence: 3 prime UTR variant.
Genome position (GRCh38, 1-based): chr11:119,024,899, C>T on the plus strand (G>A on the coding strand, the complement: SLC37A4 is on the minus strand). VCF-style: chr11-119024899-C-T. GRCh37 (hg19) VCF-style: chr11-118895609-C-T.
Other names: c.*11G>A (NM_001164278.2, NM_001164279.2, NM_001164280.2 and 1 more transcripts).
Identifiers: ClinVar variation 392933 (VCV000392933.2), dbSNP rs978301169, ClinGen allele CA16606250.